The following is an entry in ClinVar:

NM_000130.5(F5):c.6604C>T (p.Arg2202Cys)

Gene: F5 (coagulation factor V; minus strand). Cytogenetic location: 1q24.2.
Variant type: single nucleotide variant.
Coding change: c.6604C>T on transcript NM_000130.5 (MANE Select); coding-DNA position 6604, C replaced by T.
Protein change: p.Arg2202Cys; replaces arginine 2202 with cysteine.
Molecular consequence: missense variant.
Genome position (GRCh38, 1-based): chr1:169,514,384, G>A on the plus strand (C>T on the coding strand, the complement: F5 is on the minus strand). VCF-style: chr1-169514384-G-A. GRCh37 (hg19) VCF-style: chr1-169483622-G-A.
Other names: short protein forms R2202C.
Identifiers: ClinVar variation 3339457 (VCV003339457.1).
Genomic context (GRCh38, chr1:169,514,384, plus strand): 5'-CACAGCCAAAGAGTTCCAGGCGAAGTGCAATACTTTGATTCCATGTTTTAGGAATGACAC[G>A]GATAAACCTGGAAATGATTGGGGGGTTGAAAAAGTTCTTCACATGTCCTTTGGTATTAGT-3'
Protein context (NP_000121.2, residues 2192-2212): FNPPIISRFI[Arg2202Cys]VIPKTWNQSI

ClinVar aggregate classification (germline): Pathogenic (1 of 4 stars; one submission).

Conditions:
Congenital factor V deficiency. Also called: LABILE FACTOR DEFICIENCY; OWREN PARAHEMOPHILIA; PARAHEMOPHILIA; Hereditary factor V deficiency disease. Identifiers: Orphanet 326, MedGen C0015499, MONDO:0009210, OMIM 227400.

gnomAD v4.1: 10 of 1,612,768 alleles (0.00062%); highest among the groups gnomAD compares: East Asian, 0.0045%; no homozygotes.

Submission:

Women's Health and Genetics/Laboratory Corporation of America, LabCorp
Classification: Pathogenic for Congenital factor V deficiency. Last evaluated: 2024-07-18. Review status: criteria provided, single submitter. Criteria: LabCorp Variant Classification Summary - May 2015. Collection method: clinical testing. Allele origin: germline.
Comment: Variant summary: F5 c.6604C>T (p.Arg2202Cys; also reported as p.Arg2174Cys in the literature) results in a non-conservative amino acid change located in the coagulation factor 5/8 C-terminal domain (IPR000421) of the encoded protein sequence. Five of five in-silico tools predict a damaging effect of the variant on protein function. The variant allele was found at a frequency of 1.6e-05 in 250936 control chromosomes (gnomAD). c.6604C>T has been reported in the literature in multiple individuals including homozygotes affected with autosomal recessive congenital Factor V Deficiency (example: Al Numair_2019, Baz_2021, Dan Huang_2010, Hun Park_2016). These data indicate that the variant is very likely to be associated with disease. To our knowledge, no experimental evidence demonstrating an impact on protein function has been reported. No submitters have cited clinical-significance assessments for this variant to ClinVar. Based on the evidence outlined above, the variant was classified as pathogenic.

Literature cited by the submitters: PubMed 34272389; PubMed 31268865; PubMed 20510101; PubMed 26709270.